The following is an entry in ClinVar:

NM_032243.6(TXNDC2):c.921T>C (p.Ile307=)

Gene: TXNDC2 (thioredoxin domain containing 2; plus strand). Cytogenetic location: 18p11.22.
Variant type: single nucleotide variant.
Coding change: c.921T>C on transcript NM_032243.6 (MANE Select); coding-DNA position 921, T replaced by C.
Protein change: p.Ile307=; no amino-acid change (isoleucine 307 retained).
Molecular consequence: synonymous variant.
Genome position (GRCh38, 1-based): chr18:9,887,601, T>C. VCF-style: chr18-9887601-T-C. GRCh37 (hg19) VCF-style: chr18-9887598-T-C.
Other names: c.1122T>C, p.Ile374= (NM_001098529.2); c.921T>C, p.Ile307= (NM_001098530.1).
Identifiers: ClinVar variation 2648576 (VCV002648576.24), dbSNP rs1359161172, ClinGen allele CA503241102.

ClinVar aggregate classification (germline): Likely benign (1 of 4 stars; one submission).

Submission:

CeGaT Center for Human Genetics Tuebingen
Classification: Likely benign. Last evaluated: 2026-01-01. Review status: criteria provided, single submitter. Criteria: CeGaT Center For Human Genetics Tuebingen Variant Classification Criteria Version 2. Collection method: clinical testing. Allele origin: germline. Affected: yes. Observed: 2 variant alleles.
Comment: TXNDC2: BP4, BP7